The following is an entry in ClinVar:

ClinVar aggregate classification (germline): Conflicting classifications of pathogenicity. Review status: criteria provided, conflicting classifications (1 of 4 stars). 8 submissions from 8 submitters: Uncertain significance (1); Benign (1); Likely benign (6). Last evaluated 2026-01-25.

Conditions:
Hereditary cancer-predisposing syndrome. Also called: Hereditary neoplastic syndrome; Neoplastic Syndromes, Hereditary; Tumor predisposition; Hereditary Cancer Syndrome. Identifiers: Orphanet 140162, MedGen C0027672, MeSH D009386, MONDO:0015356.
Familial cancer of breast. Also called: Hereditary breast cancer; hereditary breast carcinoma; BREAST CANCER, FAMILIAL. Identifiers: Orphanet 227535, MedGen C0346153, MONDO:0016419, OMIM 114480. Disease mechanism: loss of function.
Ataxia-telangiectasia syndrome (AT). Also called: Ataxia telangiectasia (A-T); LOUIS-BAR SYNDROME; Cerebello-oculocutaneous telangiectasia; Immunodeficiency with ataxia telangiectasia; Ataxia-telangiectasia, complementation group D; AT, COMPLEMENTATION GROUP C. Identifiers: Orphanet 100, MedGen C0004135, MONDO:0008840, OMIM 208900.

Allele frequency attached by ClinVar (database versions not stated): TOPMed below 0.00001.

Submissions (8):

Labcorp Genetics (formerly Invitae), Labcorp
Classification: Likely benign for Ataxia-telangiectasia syndrome. Last evaluated: 2026-01-25. Review status: criteria provided, single submitter. Criteria: Invitae Variant Classification Sherloc (09022015). Collection method: clinical testing. Allele origin: germline.

Quest Diagnostics Nichols Institute San Juan Capistrano
Classification: Likely benign. Last evaluated: 2025-01-03. Review status: criteria provided, single submitter. Criteria: Quest Diagnostics criteria. Collection method: clinical testing. Allele origin: unknown.

Myriad Genetics, Inc.
Classification: Benign for Familial cancer of breast. Last evaluated: 2024-05-02. Review status: criteria provided, single submitter. Criteria: Myriad Autosomal Dominant, Autosomal Recessive and X-Linked Classification Criteria (2023). Collection method: clinical testing. Allele origin: unknown.
Comment: This variant is considered benign. This variant is a silent/synonymous amino acid change and it is not expected to impact splicing.

Sema4
Classification: Likely benign for Hereditary cancer-predisposing syndrome. Last evaluated: 2020-09-10. Review status: criteria provided, single submitter. Criteria: Sema4 Curation Guidelines. Collection method: curation. Allele origin: germline.

Department of Pathology and Laboratory Medicine, Sinai Health System
Classification: Uncertain significance for Familial cancer of breast. Last evaluated: 2020-08-18. Review status: criteria provided, single submitter. Criteria: ACMG Guidelines, 2015. Collection method: clinical testing. Allele origin: germline. Affected: yes.

GeneDx
Classification: Likely benign. Last evaluated: 2019-03-27. Review status: criteria provided, single submitter. Criteria: GeneDx Variant Classification Process June 2021. Collection method: clinical testing. Allele origin: germline. Affected: yes.

Ambry Genetics
Classification: Likely benign for Hereditary cancer-predisposing syndrome. Last evaluated: 2016-05-02. Review status: criteria provided, single submitter. Criteria: Ambry Variant Classification Scheme 2023. Collection method: clinical testing. Allele origin: germline.

Color Diagnostics, LLC DBA Color Health
Classification: Likely benign for Hereditary cancer-predisposing syndrome. Last evaluated: 2015-11-30. Review status: criteria provided, single submitter. Criteria: ACMG Guidelines, 2015. Collection method: clinical testing. Allele origin: germline.

NM_000051.4(ATM):c.1902A>G (p.Glu634=)

Gene: ATM (ATM serine/threonine kinase; plus strand). Cytogenetic location: 11q22.3.
Variant type: single nucleotide variant.
Coding change: c.1902A>G on transcript NM_000051.4 (MANE Select); coding-DNA position 1902, A replaced by G.
Protein change: p.Glu634=; no amino-acid change (glutamic acid 634 retained).
Molecular consequence: synonymous variant.
Genome position (GRCh38, 1-based): chr11:108,253,817, A>G. VCF-style: chr11-108253817-A-G. GRCh37 (hg19) VCF-style: chr11-108124544-A-G.
Other names: c.1902A>G, p.Glu634= (NM_001351834.2).
Identifiers: ClinVar variation 407610 (VCV000407610.20), dbSNP rs1060501633, ClinGen allele CA16613084.